The following is an entry in ClinVar:

NM_001754.5(RUNX1):c.469A>G (p.Arg157Gly)

Genes: RUNX1-AS1 (RUNX1 antisense RNA 1; plus strand), RUNX1 (RUNX family transcription factor 1; minus strand). Cytogenetic location: 21q22.12.
Variant type: single nucleotide variant.
Coding change: c.469A>G on transcript NM_001754.5 (MANE Select); coding-DNA position 469, A replaced by G.
Protein change: p.Arg157Gly; replaces arginine 157 with glycine.
Molecular consequence: missense variant.
Genome position (GRCh38, 1-based): chr21:34,880,596, T>C on the plus strand (A>G on the coding strand, the complement: RUNX1 is on the minus strand). VCF-style: chr21-34880596-T-C. GRCh37 (hg19) VCF-style: chr21-36252893-T-C.
Other names: NM_001754.5(RUNX1):c.469A>G; p.Arg157Gly; c.388A>G, p.Arg130Gly (NM_001001890.3, NM_001122607.2); short protein forms R130G, R157G.
Identifiers: ClinVar variation 3948897 (VCV003948897.2).
Genomic context (GRCh38, chr21:34,880,596, plus strand): 5'-TAGTTTTGACAGATAACGTACCTCTTCCACTTCGACCGACAAACCTGAGGTCATTAAATC[T>C]TGCAACCTGGTTCTTCATGGCTGCGGTAGCATTTCTCAGCTCAGCCGAGTAGTTTTCATC-3'
Protein context (NP_001745.2, residues 147-167): ATAAMKNQVA[Arg157Gly]FNDLRFVGRS

ClinVar aggregate classification (germline): Uncertain significance. Review status: reviewed by expert panel (3 of 4 stars). 2 submissions from 2 submitters: Uncertain significance (1). 1 of the submissions does not count toward it. Last evaluated 2026-05-27.

Conditions:
Inborn genetic diseases. Identifiers: MedGen C0950123, MeSH D030342.
Hereditary thrombocytopenia and hematologic cancer predisposition syndrome. Identifiers: Orphanet 71290, MedGen CN281654, MONDO:0011071.

Submissions (2):

ClinGen Myeloid Malignancy Variant Curation Expert Panel
Classification: Uncertain significance for Hereditary thrombocytopenia and hematologic cancer predisposition syndrome. Last evaluated: 2026-05-27. Review status: reviewed by expert panel. Criteria: ClinGen MyeloMalig ACMG Specifications V3.1. Collection method: curation. Allele origin: germline. Inheritance: Autosomal dominant inheritance.
Comment: NM_001754.5(RUNX1):c.469A>G (p.Arg157Gly) is a missense variant which affects a residue (R157) within the RHD (PM1_Supporting). This missense variant is completely absent from all population databases with at least 20x coverage for RUNX1 (PM2_Supporting). In summary, the clinical significance of this variant is uncertain. ACMG/AMP criteria applied, as specified by the Myeloid Malignancy Variant Curation Expert Panel for RUNX1: PM1_Supporting, PM2_Supporting.

Ambry Genetics
Classification: Uncertain significance for Inborn genetic diseases. Last evaluated: 2025-06-14. Review status: criteria provided, single submitter. Criteria: Ambry Variant Classification Scheme 2023. Collection method: clinical testing. Allele origin: germline. Not counted in ClinVar's aggregate classification.
Comment: The p.R157G variant (also known as c.469A>G), located in coding exon 4 of the RUNX1 gene, results from an A to G substitution at nucleotide position 469. The arginine at codon 157 is replaced by glycine, an amino acid with dissimilar properties. This amino acid position is conserved. In addition, this alteration is predicted to be deleterious by in silico analysis. Based on the available evidence, the clinical significance of this variant remains unclear.